The following is an entry in ClinVar:

NM_003718.5(CDK13):c.294C>T (p.Arg98=)

Genes: CDK13 (cyclin dependent kinase 13; plus strand), LOC129998292 (ATAC-STARR-seq lymphoblastoid silent region 18115; plus strand). Cytogenetic location: 7p14.1.
Variant type: single nucleotide variant.
Coding change: c.294C>T on transcript NM_003718.5 (MANE Select); coding-DNA position 294, C replaced by T.
Protein change: p.Arg98=; no amino-acid change (arginine 98 retained).
Molecular consequence: synonymous variant.
Genome position (GRCh38, 1-based): chr7:39,950,935, C>T. VCF-style: chr7-39950935-C-T. GRCh37 (hg19) VCF-style: chr7-39990534-C-T.
Other names: c.294C>T, p.Arg98= (NM_031267.4).
Identifiers: ClinVar variation 4281566 (VCV004281566.7).
Genomic context (GRCh38, chr7:39,950,935, plus strand): 5'-CTCTTGCTTCAGCCCGGGCCCCCCTCTGGAGGTCAAGCGGCTGGCGAGAGGCAAGAGGCG[C>T]GCAGGAGGGCGGCAGAAGCGGCGTCGCGGGCCCCGCGCCGGGCAGGAGGCGGAGAAGCGT-3'
Protein context (NP_003709.3, residues 88-108): EVKRLARGKR[Arg98=]AGGRQKRRRG

ClinVar aggregate classification (germline): Likely benign (1 of 4 stars; one submission).

Submission:

CeGaT Center for Human Genetics Tuebingen
Classification: Likely benign. Last evaluated: 2025-09-01. Review status: criteria provided, single submitter. Criteria: CeGaT Center For Human Genetics Tuebingen Variant Classification Criteria Version 2. Collection method: clinical testing. Allele origin: germline. Affected: yes. Observed: 1 variant allele.
Comment: CDK13: PM2:Supporting, BP4, BP7